The following is an entry in ClinVar:

NM_002715.4(PPP2CA):c.298C>T (p.Leu100Phe)

Gene: PPP2CA (protein phosphatase 2 catalytic subunit alpha; minus strand). Cytogenetic location: 5q31.1.
Variant type: single nucleotide variant.
Coding change: c.298C>T on transcript NM_002715.4 (MANE Select); coding-DNA position 298, C replaced by T.
Protein change: p.Leu100Phe; replaces leucine 100 with phenylalanine.
Molecular consequence: missense variant. On other transcripts: non-coding transcript variant (1).
Genome position (GRCh38, 1-based): chr5:134,205,936, G>A on the plus strand (C>T on the coding strand, the complement: PPP2CA is on the minus strand). VCF-style: chr5-134205936-G-A. GRCh37 (hg19) VCF-style: chr5-133541627-G-A.
Other names: c.103C>T, p.Leu35Phe (NM_001355019.2); short protein forms L100F, L35F.
Identifiers: ClinVar variation 3704555 (VCV003704555.2).

ClinVar aggregate classification (germline): Uncertain significance (1 of 4 stars; one submission).

gnomAD v4.1: 1 of 1,612,834 alleles (0.000062%); highest among the groups gnomAD compares: Non-Finnish European, 0.000085%; no homozygotes.

Submission:

Labcorp Genetics (formerly Invitae), Labcorp
Classification: Uncertain significance. Last evaluated: 2024-03-03. Review status: criteria provided, single submitter. Criteria: Invitae Variant Classification Sherloc (09022015). Collection method: clinical testing. Allele origin: germline.
Comment: This sequence change replaces leucine, which is neutral and non-polar, with phenylalanine, which is neutral and non-polar, at codon 100 of the PPP2CA protein (p.Leu100Phe). This variant is not present in population databases (gnomAD no frequency). This variant has not been reported in the literature in individuals affected with PPP2CA-related conditions. Advanced modeling of protein sequence and biophysical properties (such as structural, functional, and spatial information, amino acid conservation, physicochemical variation, residue mobility, and thermodynamic stability) performed at Invitae indicates that this missense variant is not expected to disrupt PPP2CA protein function with a negative predictive value of 80%. In summary, the available evidence is currently insufficient to determine the role of this variant in disease. Therefore, it has been classified as a Variant of Uncertain Significance.